The following is an entry in ClinVar:

ClinVar aggregate classification (germline): Uncertain significance. Review status: criteria provided, multiple submitters, no conflicts (2 of 4 stars). 3 submissions from 3 submitters: Uncertain significance (2). 1 of the submissions does not count toward it. Last evaluated 2024-03-21.

Conditions:
Cardiovascular phenotype. Identifiers: MedGen CN230736.
Cardiac arrhythmia. Also called: Arrhythmia; Cardiac rhythm disease. Identifiers: MedGen C0003811, MONDO:0007263, HP:0011675.
Familial long QT syndrome (RWS). Also called: Congenital long QT syndrome; Romano-Ward syndrome; VENTRICULAR FIBRILLATION WITH PROLONGED QT INTERVAL. Identifiers: Orphanet 768, MedGen C1141890, MONDO:0019171.

gnomAD v4.1: 2 of 1,614,098 alleles (0.00012%); highest among the groups gnomAD compares: Non-Finnish European, 0.00017%; no homozygotes.

Submissions (3):

Color Diagnostics, LLC DBA Color Health
Classification: Uncertain significance for Cardiac arrhythmia. Last evaluated: 2024-03-21. Review status: criteria provided, single submitter. Criteria: ACMG Guidelines, 2015. Collection method: clinical testing. Allele origin: germline.
Comment: This missense variant replaces cysteine with phenylalanine at codon 136 of the KCNQ1 protein. This variant is found within the highly conserved transmembrane domain S1 (a.a. 122-142). Rare non-truncating variants in this region have been shown to be significantly overrepresented in individuals with long QT syndrome (PMID: 32893267). Computational prediction suggests that this variant may have deleterious impact on protein structure and function. A functional study has shown that this variant causes a reduction of channel current and a faster deactivation in gating kinetics in transferred cells (PMID: 30571187). This variant has been reported in an individual suspected of having long QT syndrome (PMID: 15840476) and in another individual affected with unspecified cardiovascular disease (PMID: 31696929). This variant has not been identified in the general population by the Genome Aggregation Database (gnomAD). The available evidence is insufficient to determine the role of this variant in disease conclusively. Therefore, this variant is classified as a Variant of Uncertain Significance.

Ambry Genetics
Classification: Uncertain significance for Cardiovascular phenotype. Last evaluated: 2018-02-09. Review status: criteria provided, single submitter. Criteria: Ambry Variant Classification Scheme 2023. Collection method: clinical testing. Allele origin: germline.

Cardiovascular Biomedical Research Unit, Royal Brompton & Harefield NHS Foundation Trust
No classification provided. Condition: Familial long QT syndrome. Review status: no classification provided. Collection method: literature only. Allele origin: germline. Not counted in ClinVar's aggregate classification.
Comment: This variant has been reported as associated with Long QT syndrome in the following publications (PMID:15840476). This is a literature report, and does not necessarily reflect the clinical interpretation of the Imperial College / Royal Brompton Cardiovascular Genetics laboratory.

Literature cited by the submitters: PubMed 15840476 (cited by Color Diagnostics, LLC DBA Color Health and Cardiovascular Biomedical Research Unit, Royal Brompton & Harefield NHS Foundation Trust); PubMed 30571187 (cited by Color Diagnostics, LLC DBA Color Health); PubMed 31696929 (cited by Color Diagnostics, LLC DBA Color Health); PubMed 32893267 (cited by Color Diagnostics, LLC DBA Color Health); PubMed 22581653 (cited by Cardiovascular Biomedical Research Unit, Royal Brompton & Harefield NHS Foundation Trust).

NM_000218.3(KCNQ1):c.407G>T (p.Cys136Phe)

Gene: KCNQ1 (potassium voltage-gated channel subfamily Q member 1; plus strand). Cytogenetic location: 11p15.5.
Variant type: single nucleotide variant.
Coding change: c.407G>T on transcript NM_000218.3 (MANE Select); coding-DNA position 407, G replaced by T.
Protein change: p.Cys136Phe; replaces cysteine 136 with phenylalanine.
Molecular consequence: missense variant.
Genome position (GRCh38, 1-based): chr11:2,527,948, G>T. VCF-style: chr11-2527948-G-T. GRCh37 (hg19) VCF-style: chr11-2549178-G-T.
Other names: c.407G>T (LRG_287t1); c.26G>T, p.Cys9Phe (NM_181798.2); c.407G>T, p.Cys136Phe (NM_001406836.1, NM_001406838.1); c.137G>T, p.Cys46Phe (NM_001406837.1); short protein forms C136F, C9F, C46F.
Identifiers: ClinVar variation 53041 (VCV000053041.5), dbSNP rs199472686, ClinGen allele CA007007.